The following is an entry in ClinVar:

NM_057088.3(KRT3):c.1802G>A (p.Gly601Asp)

Gene: KRT3 (keratin 3; minus strand). Cytogenetic location: 12q13.13.
Variant type: single nucleotide variant.
Coding change: c.1802G>A on transcript NM_057088.3 (MANE Select); coding-DNA position 1802, G replaced by A.
Protein change: p.Gly601Asp; replaces glycine 601 with aspartic acid.
Molecular consequence: missense variant.
Genome position (GRCh38, 1-based): chr12:52,790,127, C>T on the plus strand (G>A on the coding strand, the complement: KRT3 is on the minus strand). VCF-style: chr12-52790127-C-T. GRCh37 (hg19) VCF-style: chr12-53183911-C-T.
Other names: c.1802G>A (NM_057088.2); short protein forms G601D.
Identifiers: ClinVar variation 2059950 (VCV002059950.29), dbSNP rs192685142, ClinGen allele CA6587768.

ClinVar aggregate classification (germline): Likely benign. Review status: criteria provided, multiple submitters, no conflicts (2 of 4 stars). 3 submissions from 3 submitters: Likely benign (2). 1 of the submissions does not count toward it. Last evaluated 2023-09-19.

Conditions:
KRT3-related disorder. Also called: KRT3-related condition.

Allele frequency attached by ClinVar (database versions not stated): gnomAD exomes 0.00032; ExAC 0.00069; 1000 Genomes Project 0.00100; 1000 Genomes Project 30x 0.00156; gnomAD 0.00256; TOPMed 0.00273.
gnomAD v4.1: 851 of 1,546,478 alleles (0.055%); highest among the groups gnomAD compares: African/African-American, 0.91%; 1 homozygote.

Submissions (3):

Labcorp Genetics (formerly Invitae), Labcorp
Classification: Likely benign. Last evaluated: 2023-09-19. Review status: criteria provided, single submitter. Criteria: Invitae Variant Classification Sherloc (09022015). Collection method: clinical testing. Allele origin: germline.

CeGaT Center for Human Genetics Tuebingen
Classification: Likely benign. Last evaluated: 2023-09-01. Review status: criteria provided, single submitter. Criteria: CeGaT Center For Human Genetics Tuebingen Variant Classification Criteria Version 2. Collection method: clinical testing. Allele origin: germline. Affected: yes. Observed: 1 variant allele.
Comment: KRT3: BS1

PreventionGenetics, part of Exact Sciences
Classification: Benign for KRT3-related condition. Last evaluated: 2019-12-20. Review status: no assertion criteria provided. Collection method: clinical testing. Allele origin: germline. Not counted in ClinVar's aggregate classification.
Comment: This variant is classified as benign based on ACMG/AMP sequence variant interpretation guidelines (Richards et al. 2015 PMID: 25741868, with internal and published modifications).